The following is an entry in ClinVar:

NM_001012759.3(CTU2):c.1298G>C (p.Cys433Ser)

Gene: CTU2 (cytosolic thiouridylase subunit 2; plus strand). Cytogenetic location: 16q24.3.
Variant type: single nucleotide variant.
Coding change: c.1298G>C on transcript NM_001012759.3 (MANE Select); coding-DNA position 1298, G replaced by C.
Protein change: p.Cys433Ser; replaces cysteine 433 with serine.
Molecular consequence: missense variant.
Genome position (GRCh38, 1-based): chr16:88,714,683, G>C. VCF-style: chr16-88714683-G-C. GRCh37 (hg19) VCF-style: chr16-88781091-G-C.
Other names: c.1298G>C, p.Cys433Ser (NM_001012762.3); c.1511G>C, p.Cys504Ser (NM_001318507.2); c.1037G>C, p.Cys346Ser (NM_001318513.2); short protein forms C346S, C433S, C504S.
Identifiers: ClinVar variation 791600 (VCV000791600.13), dbSNP rs142662688, ClinGen allele CA8231000.

ClinVar aggregate classification (germline): Conflicting classifications of pathogenicity. Review status: criteria provided, conflicting classifications (1 of 4 stars). 4 submissions from 4 submitters: Uncertain significance (1); Likely benign (2). 1 of the submissions does not count toward it. Last evaluated 2026-05-07.

Conditions:
CTU2-related disorder. Also called: CTU2-related condition.

Allele frequency attached by ClinVar (database versions not stated): 1000 Genomes Project 0.00040; ESP Exome Variant Server 0.00093; gnomAD 0.00107 and 0.00110; TOPMed 0.00116.
gnomAD v4.1: 2,240 of 1,612,224 alleles (0.14%); highest among the groups gnomAD compares: South Asian, 0.2%; 5 homozygotes.

Submissions (4):

GeneDx
Classification: Uncertain significance. Last evaluated: 2026-05-07. Review status: criteria provided, single submitter. Criteria: GeneDx Variant Classification Process June 2021. Collection method: clinical testing. Allele origin: germline.
Comment: In silico analysis supports that this missense variant has a deleterious effect on protein structure/function; Has not been previously published as pathogenic or benign to our knowledge

Labcorp Genetics (formerly Invitae), Labcorp
Classification: Likely benign. Last evaluated: 2025-09-03. Review status: criteria provided, single submitter. Criteria: Invitae Variant Classification Sherloc (09022015). Collection method: clinical testing. Allele origin: germline.

Blueprint Genetics
Classification: Likely benign. Last evaluated: 2024-11-08. Review status: criteria provided, single submitter. Criteria: ACMG Guidelines, 2015. Collection method: clinical testing. Allele origin: germline.

PreventionGenetics, part of Exact Sciences
Classification: Likely benign for CTU2-related condition. Last evaluated: 2022-04-20. Review status: no assertion criteria provided. Collection method: clinical testing. Allele origin: germline. Not counted in ClinVar's aggregate classification.
Comment: This variant is classified as likely benign based on ACMG/AMP sequence variant interpretation guidelines (Richards et al. 2015 PMID: 25741868, with internal and published modifications).